The following is an entry in ClinVar:

ClinVar aggregate classification (germline): Uncertain significance (1 of 4 stars; one submission).

Conditions:
Congenital myasthenic syndrome 8. Also called: Myasthenic syndrome, congenital, 8, with pre- and postsynaptic defects; MYASTHENIC SYNDROME, CONGENITAL, DUE TO AGRIN DEFICIENCY. Identifiers: Orphanet 590, MedGen C3808739, MONDO:0014052, OMIM 615120.

Allele frequency attached by ClinVar (database versions not stated): 1000 Genomes Project 30x 0.00016.
gnomAD v4.1: 23 of 1,517,022 alleles (0.0015%); highest among the groups gnomAD compares: South Asian, 0.022%; no homozygotes.

Submission:

Labcorp Genetics (formerly Invitae), Labcorp
Classification: Uncertain significance for Congenital myasthenic syndrome 8. Last evaluated: 2021-11-02. Review status: criteria provided, single submitter. Criteria: Invitae Variant Classification Sherloc (09022015). Collection method: clinical testing. Allele origin: germline.
Comment: This sequence change replaces glycine, which is neutral and non-polar, with tryptophan, which is neutral and slightly polar, at codon 240 of the AGRN protein (p.Gly240Trp). This variant is present in population databases (rs754282794, gnomAD 0.04%). This variant has not been reported in the literature in individuals affected with AGRN-related conditions. Algorithms developed to predict the effect of missense changes on protein structure and function are either unavailable or do not agree on the potential impact of this missense change (SIFT: "Deleterious"; PolyPhen-2: "Possibly Damaging"; Align-GVGD: "Class C0"). In summary, the available evidence is currently insufficient to determine the role of this variant in disease. Therefore, it has been classified as a Variant of Uncertain Significance.

NM_198576.4(AGRN):c.718G>T (p.Gly240Trp)

Genes: AGRN (agrin; plus strand), LOC129929077 (ATAC-STARR-seq lymphoblastoid silent region 23; plus strand). Cytogenetic location: 1p36.33.
Variant type: single nucleotide variant.
Coding change: c.718G>T on transcript NM_198576.4 (MANE Select); coding-DNA position 718, G replaced by T.
Protein change: p.Gly240Trp; replaces glycine 240 with tryptophan.
Molecular consequence: missense variant.
Genome position (GRCh38, 1-based): chr1:1,040,871, G>T. VCF-style: chr1-1040871-G-T. GRCh37 (hg19) VCF-style: chr1-976251-G-T.
Other names: c.718G>T, p.Gly240Trp (NM_001305275.2); c.403G>T, p.Gly135Trp (NM_001364727.2); short protein forms G240W, G135W.
Identifiers: ClinVar variation 1402588 (VCV001402588.6), dbSNP rs754282794, ClinGen allele CA507896.